The following is an entry in ClinVar:

ClinVar aggregate classification (germline): Conflicting classifications of pathogenicity. Review status: criteria provided, conflicting classifications (1 of 4 stars). 4 submissions from 4 submitters: Uncertain significance (3); Likely benign (1). Last evaluated 2025-01-07.

Conditions:
Drash syndrome (DDS). Also called: WILMS TUMOR AND PSEUDO- OR TRUE HERMAPHRODITISM; NEPHROPATHY, WILMS TUMOR, AND GENITAL ANOMALIES. Identifiers: Orphanet 220, MedGen C0950121, MONDO:0008682, OMIM 194080.
Frasier syndrome. Identifiers: Orphanet 347, MedGen C0950122, MeSH D052159, MONDO:0007635, OMIM 136680.
Wilms tumor 1 (WT1). Also called: Wilms tumor, somatic. Identifiers: Orphanet 654, MedGen CN033288, MONDO:0008679, OMIM 194070.
11p partial monosomy syndrome (WAGR). Also called: WAGR syndrome; WAGR Complex; WAGR Spectrum Disorder; CHROMOSOME 11p13 DELETION SYNDROME. Identifiers: Orphanet 893, MedGen C0206115, MONDO:0008681, OMIM 194072.
Inborn genetic diseases. Identifiers: MedGen C0950123, MeSH D030342.

Allele frequency attached by ClinVar (database versions not stated): TOPMed 0.00001; gnomAD 0.00002; gnomAD exomes 0.00002.
gnomAD v4.1: 15 of 1,534,090 alleles (0.00098%); highest among the groups gnomAD compares: Non-Finnish European, 0.0007%; no homozygotes.

Submissions (4):

Ambry Genetics
Classification: Likely benign for Inborn genetic diseases. Last evaluated: 2025-01-07. Review status: criteria provided, single submitter. Criteria: Ambry Variant Classification Scheme 2023. Collection method: clinical testing. Allele origin: germline.

Labcorp Genetics (formerly Invitae), Labcorp
Classification: Uncertain significance for Wilms tumor 1; Drash syndrome; 11p partial monosomy syndrome; Frasier syndrome. Last evaluated: 2024-08-03. Review status: criteria provided, single submitter. Criteria: Invitae Variant Classification Sherloc (09022015). Collection method: clinical testing. Allele origin: germline.
Comment: This sequence change replaces glycine, which is neutral and non-polar, with valine, which is neutral and non-polar, at codon 44 of the WT1 protein (p.Gly44Val). The frequency data for this variant in the population databases is considered unreliable, as metrics indicate poor data quality at this position in the gnomAD database. This variant has not been reported in the literature in individuals affected with WT1-related conditions. ClinVar contains an entry for this variant (Variation ID: 543131). An algorithm developed to predict the effect of missense changes on protein structure and function (PolyPhen-2) suggests that this variant is likely to be disruptive. In summary, the available evidence is currently insufficient to determine the role of this variant in disease. Therefore, it has been classified as a Variant of Uncertain Significance.

Blueprint Genetics
Classification: Uncertain significance. Last evaluated: 2023-12-11. Review status: criteria provided, single submitter. Criteria: ACMG Guidelines, 2015. Collection method: clinical testing. Allele origin: germline.

Baylor Genetics
Classification: Uncertain significance for Drash syndrome. Last evaluated: 2023-08-14. Review status: criteria provided, single submitter. Criteria: ACMG Guidelines, 2015. Collection method: clinical testing. Allele origin: unknown.

NM_024426.6(WT1):c.146G>T (p.Gly49Val)

Genes: WT1 (WT1 transcription factor; minus strand), LOC107982234 (WT1/WT1-AS bi-directional promoter region; plus strand). Cytogenetic location: 11p13.
Variant type: single nucleotide variant.
Coding change: c.146G>T on transcript NM_024426.6 (MANE Select); coding-DNA position 146, G replaced by T.
Protein change: p.Gly49Val; replaces glycine 49 with valine.
Molecular consequence: missense variant. On other transcripts: non-coding transcript variant (1).
Genome position (GRCh38, 1-based): chr11:32,435,215, C>A on the plus strand (G>T on the coding strand, the complement: WT1 is on the minus strand). VCF-style: chr11-32435215-C-A. GRCh37 (hg19) VCF-style: chr11-32456761-C-A.
Other names: c.146G>T, p.Gly49Val (NM_000378.6, NM_024424.5); short protein forms G49V.
Identifiers: ClinVar variation 543131 (VCV000543131.12), dbSNP rs1475923286, ClinGen allele CA379966285.